The following is an entry in ClinVar:

NM_001793.6(CDH3):c.1372C>G (p.Pro458Ala)

Gene: CDH3 (cadherin 3; plus strand). Cytogenetic location: 16q22.1.
Variant type: single nucleotide variant.
Coding change: c.1372C>G on transcript NM_001793.6 (MANE Select); coding-DNA position 1372, C replaced by G.
Protein change: p.Pro458Ala; replaces proline 458 with alanine.
Molecular consequence: missense variant.
Genome position (GRCh38, 1-based): chr16:68,684,772, C>G. VCF-style: chr16-68684772-C-G. GRCh37 (hg19) VCF-style: chr16-68718675-C-G.
Other names: c.1372C>G, p.Pro458Ala (NM_001317195.3); c.1207C>G, p.Pro403Ala (NM_001317196.2); short protein forms P403A, P458A.
Identifiers: ClinVar variation 857911 (VCV000857911.5), dbSNP rs766783746, ClinGen allele CA8129339.

ClinVar aggregate classification (germline): Uncertain significance (1 of 4 stars; one submission).

Allele frequency attached by ClinVar (database versions not stated): gnomAD below 0.00001 and 0.00003; TOPMed 0.00001; ExAC 0.00004; gnomAD exomes 0.00005.
gnomAD v4.1: 51 of 1,614,140 alleles (0.0032%); highest among the groups gnomAD compares: South Asian, 0.023%; 1 homozygote.

Submission:

Labcorp Genetics (formerly Invitae), Labcorp
Classification: Uncertain significance. Last evaluated: 2022-08-12. Review status: criteria provided, single submitter. Criteria: Invitae Variant Classification Sherloc (09022015). Collection method: clinical testing. Allele origin: germline.
Comment: This sequence change replaces proline, which is neutral and non-polar, with alanine, which is neutral and non-polar, at codon 458 of the CDH3 protein (p.Pro458Ala). This variant is present in population databases (rs766783746, gnomAD 0.01%). This variant has not been reported in the literature in individuals affected with CDH3-related conditions. ClinVar contains an entry for this variant (Variation ID: 857911). Algorithms developed to predict the effect of missense changes on protein structure and function output the following: SIFT: "Not Available"; PolyPhen-2: "Benign"; Align-GVGD: "Not Available". The alanine amino acid residue is found in multiple mammalian species, which suggests that this missense change does not adversely affect protein function. In summary, the available evidence is currently insufficient to determine the role of this variant in disease. Therefore, it has been classified as a Variant of Uncertain Significance.